The following is an entry in ClinVar:

NM_000238.4(KCNH2):c.247G>A (p.Ala83Thr)

Gene: KCNH2 (potassium voltage-gated channel subfamily H member 2; minus strand). Cytogenetic location: 7q36.1.
Variant type: single nucleotide variant.
Coding change: c.247G>A on transcript NM_000238.4 (MANE Select); coding-DNA position 247, G replaced by A.
Protein change: p.Ala83Thr; replaces alanine 83 with threonine.
Molecular consequence: missense variant. On other transcripts: non-coding transcript variant (1).
Genome position (GRCh38, 1-based): chr7:150,974,771, C>T on the plus strand (G>A on the coding strand, the complement: KCNH2 is on the minus strand). VCF-style: chr7-150974771-C-T. GRCh37 (hg19) VCF-style: chr7-150671859-C-T.
Other names: c.70G>A, p.Ala24Thr (NM_001406755.1); c.247G>A, p.Ala83Thr (NM_172056.3); short protein forms A24T, A83T.
Identifiers: ClinVar variation 3070957 (VCV003070957.1), dbSNP rs1554430909, ClinGen allele CA369865482.

ClinVar aggregate classification (germline): Uncertain significance (1 of 4 stars; one submission).

Conditions:
Long QT syndrome (LQTS). Identifiers: MedGen C0023976, MeSH D008133, MONDO:0002442. Disease mechanism: loss of function. Inheritance: Various modes of inheritance.

Submission:

All of Us Research Program, National Institutes of Health
Classification: Uncertain significance for Long QT syndrome. Last evaluated: 2023-05-15. Review status: criteria provided, single submitter. Criteria: ACMG Guidelines, 2015. Collection method: clinical testing. Allele origin: germline. Inheritance: Autosomal dominant inheritance. Observed: 1 variant allele, 1 heterozygote.
Comment: This missense variant replaces alanine with threonine at codon 83 of the KCNH2 protein. Computational prediction is inconclusive regarding the impact of this variant on protein structure and function (internally defined REVEL score threshold 0.5 < inconclusive < 0.7, PMID: 27666373). To our knowledge, functional studies have not been reported for this variant. This variant has not been reported in individuals affected with KCNH2-related disorders in the literature. This variant has not been identified in the general population by the Genome Aggregation Database (gnomAD). The available evidence is insufficient to determine the role of this variant in disease conclusively. Therefore, this variant is classified as a Variant of Uncertain Significance.

This study involves interpretation of variants in research participants for the purpose of population health screening. Participant phenotype was not available at the time of variant classification. Additional details can be found in publication PMID: 35346344, PMCID: PMC8962531